The following is an entry in ClinVar:

NM_000719.7(CACNA1C):c.2348G>T (p.Ser783Ile)

Gene: CACNA1C (calcium voltage-gated channel subunit alpha1 C; plus strand). Cytogenetic location: 12p13.33.
Variant type: single nucleotide variant.
Coding change: c.2348G>T on transcript NM_000719.7 (MANE Select); coding-DNA position 2348, G replaced by T.
Protein change: p.Ser783Ile; replaces serine 783 with isoleucine.
Molecular consequence: missense variant.
Genome position (GRCh38, 1-based): chr12:2,585,384, G>T. VCF-style: chr12-2585384-G-T. GRCh37 (hg19) VCF-style: chr12-2694550-G-T.
Other names: c.2348G>T, p.Ser783Ile (NM_001129831.2, NM_001129832.2, NM_001129833.2 and 18 more transcripts); c.2339G>T, p.Ser780Ile (NM_001129844.2); short protein forms S780I, S783I.
Identifiers: ClinVar variation 2958179 (VCV002958179.3), dbSNP rs1160521285, ClinGen allele CA383371622.

ClinVar aggregate classification (germline): Uncertain significance (1 of 4 stars; one submission).

Conditions:
Long QT syndrome (LQTS). Identifiers: MedGen C0023976, MeSH D008133, MONDO:0002442. Disease mechanism: loss of function. Inheritance: Various modes of inheritance.

gnomAD v4.1: 12 of 1,612,638 alleles (0.00074%); highest among the groups gnomAD compares: South Asian, 0.0066%; no homozygotes.

Submission:

Labcorp Genetics (formerly Invitae), Labcorp
Classification: Uncertain significance for Long QT syndrome. Last evaluated: 2023-10-18. Review status: criteria provided, single submitter. Criteria: Invitae Variant Classification Sherloc (09022015). Collection method: clinical testing. Allele origin: germline.
Comment: This sequence change replaces serine, which is neutral and polar, with isoleucine, which is neutral and non-polar, at codon 783 of the CACNA1C protein (p.Ser783Ile). This variant is not present in population databases (gnomAD no frequency). This variant has not been reported in the literature in individuals affected with CACNA1C-related conditions. Advanced modeling of protein sequence and biophysical properties (such as structural, functional, and spatial information, amino acid conservation, physicochemical variation, residue mobility, and thermodynamic stability) has been performed at Invitae for this missense variant, however the output from this modeling did not meet the statistical confidence thresholds required to predict the impact of this variant on CACNA1C protein function. In summary, the available evidence is currently insufficient to determine the role of this variant in disease. Therefore, it has been classified as a Variant of Uncertain Significance.